The following is an entry in ClinVar:

ClinVar aggregate classification (germline): Likely benign (1 of 4 stars; one submission).

Conditions:
Peroxisome biogenesis disorder 7A (Zellweger). Also called: Peroxisome biogenesis disorder 7A. Identifiers: Orphanet 912, MedGen C3888385, MONDO:0013938, OMIM 614872.

Allele frequency attached by ClinVar (database versions not stated): gnomAD 0.00006 and 0.00055; TOPMed 0.00010; gnomAD exomes 0.00124; 1000 Genomes Project 30x 0.00328; 1000 Genomes Project 0.00359.
gnomAD v4.1: 151 of 211,220 alleles (0.071%); highest among the groups gnomAD compares: South Asian, 1.1%; 3 homozygotes.

Submission:

Illumina Laboratory Services, Illumina
Classification: Likely benign for Peroxisome biogenesis disorder 7A (Zellweger). Last evaluated: 2018-01-12. Review status: criteria provided, single submitter. Criteria: ICSL Variant Classification Criteria 13 December 2019. Collection method: clinical testing. Allele origin: germline.
Comment: This variant was observed in the ICSL laboratory as part of a predisposition screen in an ostensibly healthy population. It had not been previously curated by ICSL or reported in the Human Gene Mutation Database (HGMD: prior to June 1st, 2018), and was therefore a candidate for classification through an automated scoring system. Utilizing variant allele frequency, disease prevalence and penetrance estimates, and inheritance mode, an automated score was calculated to assess if this variant is too frequent to cause the disease. Based on the score and internal cut-off values, a variant classified as likely benign is not then subjected to further curation. The score for this variant resulted in a classification of likely benign for this disease.

NM_001127649.3(PEX26):c.*566T>C

Gene: PEX26 (peroxisomal biogenesis factor 26; plus strand). Cytogenetic location: 22q11.21.
Variant type: single nucleotide variant.
Coding change: c.*566T>C on transcript NM_001127649.3 (MANE Select); 566 bases downstream of the stop codon, T replaced by C.
Molecular consequence: 3 prime UTR variant.
Genome position (GRCh38, 1-based): chr22:18,088,641, T>C. VCF-style: chr22-18088641-T-C. GRCh37 (hg19) VCF-style: chr22-18571407-T-C.
Other names: c.*566T>C (NM_001199319.2, NM_017929.6).
Identifiers: ClinVar variation 903528 (VCV000903528.4), dbSNP rs541332240, ClinGen allele CA321294068.
Genomic context (GRCh38, chr22:18,088,641, plus strand): 5'-CCTGCCTGGCCAACATGGTGAAACCCCATCTCTACTAAAAATACAAAAATTAGCTAGATG[T>C]GGTGCACGCCTATAGTCCTAGCTACTTGGGAGGCTGAGGCAGGAGAATCACTTGAGCCAG-3'